The following is an entry in ClinVar:

NM_014920.5(CILK1):c.831+3T>G

Gene: CILK1 (ciliogenesis associated kinase 1; minus strand). Cytogenetic location: 6p12.1.
Variant type: single nucleotide variant.
Coding change: c.831+3T>G on transcript NM_014920.5 (MANE Select); 3 bases into the intron after coding-DNA position 831, T replaced by G.
Molecular consequence: intron variant.
Genome position (GRCh38, 1-based): chr6:53,016,080, A>C on the plus strand (T>G on the coding strand, the complement: CILK1 is on the minus strand). VCF-style: chr6-53016080-A-C. GRCh37 (hg19) VCF-style: chr6-52880878-A-C.
Other names: c.831+3T>G (NM_001375402.1, NM_001375398.1, NM_001375397.1 and 4 more transcripts).
Identifiers: ClinVar variation 1680557 (VCV001680557.3), dbSNP rs746416984, ClinGen allele CA825818849.

ClinVar aggregate classification (germline): Uncertain significance (1 of 4 stars; one submission).

Allele frequency attached by ClinVar (database versions not stated): TOPMed below 0.00001; gnomAD 0.00001.
gnomAD v4.1: 1 of 1,613,846 alleles (0.000062%); highest among the groups gnomAD compares: Non-Finnish European, 0.000085%; no homozygotes.

Submission:

Labcorp Genetics (formerly Invitae), Labcorp
Classification: Uncertain significance. Last evaluated: 2022-10-31. Review status: criteria provided, single submitter. Criteria: Invitae Variant Classification Sherloc (09022015). Collection method: clinical testing. Allele origin: germline.
Comment: This sequence change falls in intron 9 of the ICK gene. It does not directly change the encoded amino acid sequence of the ICK protein. It affects a nucleotide within the consensus splice site. This variant is not present in population databases (gnomAD no frequency). This variant has not been reported in the literature in individuals affected with ICK-related conditions. ClinVar contains an entry for this variant (Variation ID: 1680557). Variants that disrupt the consensus splice site are a relatively common cause of aberrant splicing (PMID: 17576681, 9536098). Algorithms developed to predict the effect of sequence changes on RNA splicing suggest that this variant may disrupt the consensus splice site. In summary, the available evidence is currently insufficient to determine the role of this variant in disease. Therefore, it has been classified as a Variant of Uncertain Significance.

Literature cited by the submitters: PubMed 17576681; PubMed 9536098.